The following is an entry in ClinVar:

ClinVar aggregate classification (germline): Conflicting classifications of pathogenicity. Review status: criteria provided, conflicting classifications (1 of 4 stars). 3 submissions from 3 submitters: Uncertain significance (2); Likely benign (1). Last evaluated 2024-02-12.

Conditions:
Familial hypobetalipoproteinemia 1. Also called: Hypobetalipoproteinemia, normotriglyceridemic; Acanthocytosis with hypobetalipoproteinemia; APOB-Related Familial Hypobetalipoproteinemia. Identifiers: MedGen C4551990, MONDO:0014252, OMIM 615558.
Hypercholesterolemia, autosomal dominant, type B (FHCL2). Also called: Familial Hypercholesterolemia Type B; APOB-Related Familial Hypercholesterolemia, Autosomal Dominant; Hyperlipoproteinemia Type IIb; Familial hypercholesterolemia 2; APOLIPOPROTEIN B-100, FAMILIAL DEFECTIVE; APOLIPOPROTEIN B-100, FAMILIAL LIGAND-DEFECTIVE. Identifiers: MedGen C1704417, MONDO:0007751, OMIM 144010.
Hypercholesterolemia, familial, 1. Also called: LDL RECEPTOR DISORDER; Hyperlipoproteinemia Type IIa; HYPER-LOW-DENSITY-LIPOPROTEINEMIA; HYPERCHOLESTEROLEMIC XANTHOMATOSIS, FAMILIAL; Fredrickson type IIa hyperlipoproteinemia; Hyperlipoproteinemia type 2. Identifiers: Orphanet 391665, MedGen C0745103, MONDO:0007750, OMIM 143890.
Cardiovascular phenotype. Identifiers: MedGen CN230736.

Allele frequency attached by ClinVar (database versions not stated): ExAC 0.00001; gnomAD 0.00001; gnomAD exomes 0.00001; 1000 Genomes Project 30x 0.00016; 1000 Genomes Project 0.00020.
gnomAD v4.1: 16 of 1,614,062 alleles (0.00099%); highest among the groups gnomAD compares: East Asian, 0.013%; no homozygotes.

Submissions (3):

Ambry Genetics
Classification: Uncertain significance for Cardiovascular phenotype. Last evaluated: 2024-02-12. Review status: criteria provided, single submitter. Criteria: Ambry Variant Classification Scheme 2023. Collection method: clinical testing. Allele origin: germline.

Labcorp Genetics (formerly Invitae), Labcorp
Classification: Likely benign for Familial hypobetalipoproteinemia 1; Hypercholesterolemia, autosomal dominant, type B. Last evaluated: 2023-11-15. Review status: criteria provided, single submitter. Criteria: Invitae Variant Classification Sherloc (09022015). Collection method: clinical testing. Allele origin: germline.

Cardiovascular Research Group, Instituto Nacional de Saude Doutor Ricardo Jorge
Classification: Uncertain significance for Familial hypercholesterolemia. Last evaluated: 2016-03-01. Review status: criteria provided, single submitter. Criteria: ACMG Guidelines, 2015. Collection method: research. Allele origin: germline. Affected: yes.
Comment: 0/176 non-FH alleles

NM_000384.3(APOB):c.3425C>T (p.Ser1142Leu)

Gene: APOB (apolipoprotein B; minus strand). Cytogenetic location: 2p24.1.
Variant type: single nucleotide variant.
Coding change: c.3425C>T on transcript NM_000384.3 (MANE Select); coding-DNA position 3425, C replaced by T.
Protein change: p.Ser1142Leu; replaces serine 1142 with leucine.
Molecular consequence: missense variant.
Genome position (GRCh38, 1-based): chr2:21,015,453, G>A on the plus strand (C>T on the coding strand, the complement: APOB is on the minus strand). VCF-style: chr2-21015453-G-A. GRCh37 (hg19) VCF-style: chr2-21238325-G-A.
Other names: short protein forms S1142L.
Identifiers: ClinVar variation 265884 (VCV000265884.5), dbSNP rs199859104, ClinGen allele CA058814.
Genomic context (GRCh38, chr2:21,015,453, plus strand): 5'-GAAACTGTGGAGCCATAAGCTGTAGCAGATGAGTCCATTTGGAGAAGCAGTTTGGCAGGC[G>A]ACCAGTGGGCGAGGATCTCACTTCTGGCTTCTGCTTGCAAACGGGGTATGGAAATAACAC-3'
Protein context (NP_000375.3, residues 1132-1152): EARSEILAHW[Ser1142Leu]PAKLLLQMDS